The following is an entry in ClinVar:

NM_182914.3(SYNE2):c.12560A>T (p.Asn4187Ile)

Gene: SYNE2 (spectrin repeat containing nuclear envelope protein 2; plus strand). Cytogenetic location: 14q23.2.
Variant type: single nucleotide variant.
Coding change: c.12560A>T on transcript NM_182914.3 (MANE Select); coding-DNA position 12560, A replaced by T.
Protein change: p.Asn4187Ile; replaces asparagine 4187 with isoleucine.
Molecular consequence: missense variant.
Genome position (GRCh38, 1-based): chr14:64,107,558, A>T. VCF-style: chr14-64107558-A-T. GRCh37 (hg19) VCF-style: chr14-64574276-A-T.
Other names: c.12560A>T, p.Asn4187Ile (NM_015180.6); short protein forms N4187I.
Identifiers: ClinVar variation 286187 (VCV000286187.43), dbSNP rs34480732, ClinGen allele CA7222192.
Genomic context (GRCh38, chr14:64,107,558, plus strand): 5'-ATGGGAAAATAAGCACCTCTGATAATTCCATGGCACAAATCCTCACACCAGACTCACTAA[A>T]CACTGAGCAAGGCCCAGAATGTTCCCTAAGGCCCAACCAAACAGAAGAGGTAAGTCCTGG-3'
Protein context (NP_878918.2, residues 4177-4197): MAQILTPDSL[Asn4187Ile]TEQGPECSLR

ClinVar aggregate classification (germline): Conflicting classifications of pathogenicity. Review status: criteria provided, conflicting classifications (1 of 4 stars). 5 submissions from 5 submitters: Uncertain significance (1); Benign (1); Likely benign (3). Last evaluated 2025-12-28.

Conditions:
Emery-Dreifuss muscular dystrophy 5, autosomal dominant (EDMD5). Also called: EMERY-DREIFUSS MUSCULAR DYSTROPHY 5. Identifiers: Orphanet 261, MedGen C2751805, MONDO:0013072, OMIM 612999.

Allele frequency attached by ClinVar (database versions not stated): gnomAD exomes 0.00024 and 0.00062; ExAC 0.00077; gnomAD 0.00241 and 0.00262; TOPMed 0.00256; ESP Exome Variant Server 0.00308; 1000 Genomes Project 0.00339; 1000 Genomes Project 30x 0.00390.
gnomAD v4.1: 744 of 1,614,168 alleles (0.046%); highest among the groups gnomAD compares: African/African-American, 0.87%; 2 homozygotes.

Submissions (5):

Labcorp Genetics (formerly Invitae), Labcorp
Classification: Likely benign for Emery-Dreifuss muscular dystrophy 5, autosomal dominant. Last evaluated: 2025-12-28. Review status: criteria provided, single submitter. Criteria: Invitae Variant Classification Sherloc (09022015). Collection method: clinical testing. Allele origin: germline.

Ambry Genetics
Classification: Uncertain significance. Last evaluated: 2025-08-02. Review status: criteria provided, single submitter. Criteria: Ambry Variant Classification Scheme 2023. Collection method: clinical testing. Allele origin: germline.

CeGaT Center for Human Genetics Tuebingen
Classification: Benign. Last evaluated: 2024-04-01. Review status: criteria provided, single submitter. Criteria: CeGaT Center For Human Genetics Tuebingen Variant Classification Criteria Version 2. Collection method: clinical testing. Allele origin: germline. Affected: yes. Observed: 2 variant alleles.
Comment: SYNE2: BP4, BS1, BS2

Eurofins Ntd Llc (ga)
Classification: Likely benign. Last evaluated: 2016-09-01. Review status: criteria provided, single submitter. Criteria: EGL Classification Definitions 2015. Collection method: clinical testing. Allele origin: germline. Observed: 2 variant alleles, 2 heterozygotes.

Breakthrough Genomics
Classification: Likely benign. Review status: criteria provided, single submitter. Criteria: ACMG Guidelines, 2015. Collection method: not provided. Allele origin: germline. Inheritance: Autosomal dominant inheritance. Affected: yes.